The following is an entry in ClinVar:

ClinVar aggregate classification (germline): Uncertain significance. Review status: criteria provided, multiple submitters, no conflicts (2 of 4 stars). 2 submissions from 2 submitters: Uncertain significance (2). Last evaluated 2018-05-30.

Conditions:
Familial thoracic aortic aneurysm and aortic dissection (TAAD). Also called: Thoracic aortic aneurysms and dissections. Identifiers: Orphanet 91387, MedGen C4707243, MONDO:0019625.
Congenital contractural arachnodactyly (CCA). Also called: Beals-Hecht syndrome; BEALS SYNDROME; Arthrogryposis, distal, type 9. Identifiers: Orphanet 115, MedGen C0220668, MONDO:0007363, OMIM 121050.

Submissions (2):

Ambry Genetics
Classification: Uncertain significance for Familial thoracic aortic aneurysm and aortic dissection. Last evaluated: 2018-05-30. Review status: criteria provided, single submitter. Criteria: Ambry Variant Classification Scheme 2023. Collection method: clinical testing. Allele origin: germline.
Comment: The p.T847A variant (also known as c.2539A>G), located in coding exon 19 of the FBN2 gene, results from an A to G substitution at nucleotide position 2539. The threonine at codon 847 is replaced by alanine, an amino acid with similar properties. This amino acid position is well conserved in available vertebrate species. In addition, this alteration is predicted to be tolerated by in silico analysis. Since supporting evidence is limited at this time, the clinical significance of this alteration remains unclear.

Labcorp Genetics (formerly Invitae), Labcorp
Classification: Uncertain significance for Congenital contractural arachnodactyly. Last evaluated: 2016-01-09. Review status: criteria provided, single submitter. Criteria: Invitae Variant Classification Sherloc (09022015). Collection method: clinical testing. Allele origin: germline.
Comment: In summary, this is a novel missense change with uncertain impact on protein function. It has been classified as a Variant of Uncertain Significance. Algorithms developed to predict the effect of missense changes on protein structure and function do not agree on the potential impact of this missense change (SIFT: "Deleterious"; PolyPhen-2: "Possibly Damaging"; Align-GVGD: "Class C0"). This variant is not present in population databases (ExAC no frequency) and has not been reported in the literature in individuals with a FBN2-related disease. This sequence change replaces threonine with alanine at codon 847 of the FBN2 protein (p.Thr847Ala). The threonine residue is highly conserved and there is a small physicochemical difference between threonine and alanine.

NM_001999.4(FBN2):c.2539A>G (p.Thr847Ala)

Gene: FBN2 (fibrillin 2; minus strand). Cytogenetic location: 5q23.3.
Variant type: single nucleotide variant.
Coding change: c.2539A>G on transcript NM_001999.4 (MANE Select); coding-DNA position 2539, A replaced by G.
Protein change: p.Thr847Ala; replaces threonine 847 with alanine.
Molecular consequence: missense variant.
Genome position (GRCh38, 1-based): chr5:128,361,738, T>C on the plus strand (A>G on the coding strand, the complement: FBN2 is on the minus strand). VCF-style: chr5-128361738-T-C. GRCh37 (hg19) VCF-style: chr5-127697431-T-C.
Other names: short protein forms T847A.
Identifiers: ClinVar variation 239080 (VCV000239080.11), dbSNP rs878854474, ClinGen allele CA10582359.